The following is an entry in ClinVar:

ClinVar aggregate classification (germline): Likely benign. Review status: criteria provided, multiple submitters, no conflicts (2 of 4 stars). 4 submissions from 4 submitters: Likely benign (3). 1 of the submissions does not count toward it. Last evaluated 2025-12-15.

Conditions:
HAX1-related disorder. Also called: HAX1-related condition.
Kostmann syndrome (SCN3). Also called: Autosomal recessive severe congenital neutropenia type 3; KOSTMANN DISEASE. Identifiers: Orphanet 99749, MedGen C5235141, MONDO:0012548, OMIM 610738.
Inborn genetic diseases. Identifiers: MedGen C0950123, MeSH D030342.

Allele frequency attached by ClinVar (database versions not stated): ESP Exome Variant Server 0.00008.
gnomAD v4.1: 44 of 1,614,084 alleles (0.0027%); highest among the groups gnomAD compares: Non-Finnish European, 0.0036%; no homozygotes.

Submissions (4):

Labcorp Genetics (formerly Invitae), Labcorp
Classification: Likely benign for Kostmann syndrome. Last evaluated: 2025-12-15. Review status: criteria provided, single submitter. Criteria: Invitae Variant Classification Sherloc (09022015). Collection method: clinical testing. Allele origin: germline.

Ambry Genetics
Classification: Likely benign for Inborn genetic diseases. Last evaluated: 2024-11-21. Review status: criteria provided, single submitter. Criteria: Ambry Variant Classification Scheme 2023. Collection method: clinical testing. Allele origin: germline.

Breakthrough Genomics
Classification: Likely benign. Review status: criteria provided, single submitter. Criteria: ACMG Guidelines, 2015. Collection method: not provided. Allele origin: germline. Inheritance: Autosomal recessive inheritance. Affected: yes.

PreventionGenetics, part of Exact Sciences
Classification: Likely benign for HAX1-related condition. Last evaluated: 2019-05-08. Review status: no assertion criteria provided. Collection method: clinical testing. Allele origin: germline. Not counted in ClinVar's aggregate classification.
Comment: This variant is classified as likely benign based on ACMG/AMP sequence variant interpretation guidelines (Richards et al. 2015 PMID: 25741868, with internal and published modifications).

NM_006118.4(HAX1):c.18C>T (p.Leu6=)

Gene: HAX1 (HCLS1 associated protein X-1; plus strand). Cytogenetic location: 1q21.3.
Variant type: single nucleotide variant.
Coding change: c.18C>T on transcript NM_006118.4 (MANE Select); coding-DNA position 18, C replaced by T.
Protein change: p.Leu6=; no amino-acid change (leucine 6 retained).
Molecular consequence: synonymous variant.
Genome position (GRCh38, 1-based): chr1:154,272,741, C>T. VCF-style: chr1-154272741-C-T. GRCh37 (hg19) VCF-style: chr1-154245217-C-T.
Other names: c.18C>T, p.Leu6= (NM_001018837.2); c.18C>T (NM_006118.3).
Identifiers: ClinVar variation 1145111 (VCV001145111.13), dbSNP rs375735851, ClinGen allele CA1127211.